The following is an entry in ClinVar:

NM_017654.4(SAMD9):c.3355_3356del (p.Ile1119fs)

Gene: SAMD9 (sterile alpha motif domain containing 9; minus strand). Cytogenetic location: 7q21.2.
Variant type: Microsatellite.
Coding change: c.3355_3356del on transcript NM_017654.4 (MANE Select); coding-DNA positions 3355 to 3356, 2 bases deleted (AT; older notation c.3355_3356delAT).
Protein change: p.Ile1119fs; shifts the reading frame from isoleucine 1119.
Molecular consequence: frameshift variant.
Genome position (GRCh38, 1-based): chr7:93,102,742-93,102,743, AT deleted on the plus strand (AT on the coding strand, the reverse complement: SAMD9 is on the minus strand); deleting any 2 consecutive bases within chr7:93,102,742-93,102,746 gives the same sequence; the c. name uses the placement nearest the transcript's 3' end. VCF-style (leftmost placement, unchanged base first): chr7-93102741-GAT-G. GRCh37 (hg19) VCF-style: chr7-92732054-GAT-G.
Other names: c.3355_3356del, p.Ile1119fs (NM_001193307.2); short protein forms I1119fs.
Identifiers: ClinVar variation 3602255 (VCV003602255.1).
Genomic context (GRCh38, chr7:93,102,741, plus strand): 5'-TCCGTTTTCCTCTATCCACCATCTTATTTTACTTTTGTAGACTTGACCCAGTGTATCTGA[GAT>G]ATAAGAATTGTCAGGTTCTATGATTTTTGCTTGTTTTGCCCAGTTTAGAGCATTGCCAAA-3'

ClinVar aggregate classification (germline): Uncertain significance (1 of 4 stars; one submission).

Submission:

GeneDx
Classification: Uncertain significance. Last evaluated: 2024-07-31. Review status: criteria provided, single submitter. Criteria: GeneDx Variant Classification Process June 2021. Collection method: clinical testing. Allele origin: germline. Affected: yes.
Comment: Not observed at significant frequency in large population cohorts (gnomAD); Has not been previously published as pathogenic or benign to our knowledge; Frameshift variant predicted to result in abnormal protein length as the last 471 amino acids are replaced with 10 different amino acids, in a gene for which loss of function is not an established mechanism of disease; This variant is associated with the following publications: (PMID: 28545555)